The following is an entry in ClinVar:

ClinVar aggregate classification (germline): Uncertain significance. Review status: criteria provided, multiple submitters, no conflicts (2 of 4 stars). 2 submissions from 2 submitters: Uncertain significance (2). Last evaluated 2025-05-06.

Conditions:
Hereditary cancer-predisposing syndrome. Also called: Hereditary neoplastic syndrome; Neoplastic Syndromes, Hereditary; Hereditary Cancer Syndrome; Tumor predisposition. Identifiers: Orphanet 140162, MedGen C0027672, MeSH D009386, MONDO:0015356.
Familial cancer of breast. Also called: BREAST CANCER, FAMILIAL; Hereditary breast cancer; hereditary breast carcinoma. Identifiers: Orphanet 227535, MedGen C0346153, MONDO:0016419, OMIM 114480. Disease mechanism: loss of function.

Allele frequency attached by ClinVar (database versions not stated): TOPMed 0.00001.

Submissions (2):

Ambry Genetics
Classification: Uncertain significance for Hereditary cancer-predisposing syndrome. Last evaluated: 2025-05-06. Review status: criteria provided, single submitter. Criteria: Ambry Variant Classification Scheme 2023. Collection method: clinical testing. Allele origin: germline.
Comment: The p.D6H variant (also known as c.16G>C), located in coding exon 1 of the CHEK2 gene, results from a G to C substitution at nucleotide position 16. The aspartic acid at codon 6 is replaced by histidine, an amino acid with similar properties. This amino acid position is not well conserved in available vertebrate species. In addition, the in silico prediction for this alteration is inconclusive. Since supporting evidence is limited at this time, the clinical significance of this alteration remains unclear.

Labcorp Genetics (formerly Invitae), Labcorp
Classification: Uncertain significance for Familial cancer of breast. Last evaluated: 2022-03-15. Review status: criteria provided, single submitter. Criteria: Invitae Variant Classification Sherloc (09022015). Collection method: clinical testing. Allele origin: germline.
Comment: This sequence change replaces aspartic acid, which is acidic and polar, with histidine, which is basic and polar, at codon 6 of the CHEK2 protein (p.Asp6His). This variant is not present in population databases (gnomAD no frequency). This variant has not been reported in the literature in individuals affected with CHEK2-related conditions. ClinVar contains an entry for this variant (Variation ID: 530111). Algorithms developed to predict the effect of missense changes on protein structure and function are either unavailable or do not agree on the potential impact of this missense change (SIFT: "Tolerated"; PolyPhen-2: "Possibly Damaging"; Align-GVGD: "Class C0"). In summary, the available evidence is currently insufficient to determine the role of this variant in disease. Therefore, it has been classified as a Variant of Uncertain Significance.

NM_007194.4(CHEK2):c.16G>C (p.Asp6His)

Gene: CHEK2 (checkpoint kinase 2; minus strand). Cytogenetic location: 22q12.1.
Variant type: single nucleotide variant.
Coding change: c.16G>C on transcript NM_007194.4 (MANE Select); coding-DNA position 16, G replaced by C.
Protein change: p.Asp6His; replaces aspartic acid 6 with histidine.
Molecular consequence: missense variant.
Genome position (GRCh38, 1-based): chr22:28,734,706, C>G on the plus strand (G>C on the coding strand, the complement: CHEK2 is on the minus strand). VCF-style: chr22-28734706-C-G. GRCh37 (hg19) VCF-style: chr22-29130694-C-G.
Other names: c.16G>C, p.Asp6His (NM_001005735.3, NM_001349956.3, NM_145862.3); c.-762G>C (NM_001257387.3); short protein forms D6H.
Identifiers: ClinVar variation 530111 (VCV000530111.15), dbSNP rs1555932944, ClinGen allele CA411092089.
Genomic context (GRCh38, chr22:28,734,706, plus strand): 5'-TAACGCTGCCATGGGGCTGTGAACAGGCACTGCTGCCATGAGACTGCTGAGCCTCAACAT[C>G]CGACTCCCGAGACATCACGACCTCAAAAAGAAAGTGTCCAACAACAAAGGTGAGTTTCAA-3'
Protein context (NP_009125.1, residues 1-16): MSRES[Asp6His]VEAQQSHGSS